The following is an entry in ClinVar:

NM_018076.5(ODAD2):c.1468A>G (p.Ile490Val)

Gene: ODAD2 (outer dynein arm docking complex subunit 2; minus strand). Cytogenetic location: 10p12.1.
Variant type: single nucleotide variant.
Coding change: c.1468A>G on transcript NM_018076.5 (MANE Select); coding-DNA position 1468, A replaced by G.
Protein change: p.Ile490Val; replaces isoleucine 490 with valine.
Molecular consequence: missense variant.
Genome position (GRCh38, 1-based): chr10:27,944,881, T>C on the plus strand (A>G on the coding strand, the complement: ODAD2 is on the minus strand). VCF-style: chr10-27944881-T-C. GRCh37 (hg19) VCF-style: chr10-28233810-T-C.
Other names: c.1468A>G, p.Ile490Val (NM_001290020.2); c.43A>G, p.Ile15Val (NM_001290021.2); c.544A>G, p.Ile182Val (NM_001312689.2); c.1468A>G (NM_018076.2); short protein forms I15V, I182V, I490V.
Identifiers: ClinVar variation 1681376 (VCV001681376.9), dbSNP rs1358692299, ClinGen allele CA376393443.

ClinVar aggregate classification (germline): Uncertain significance. Review status: criteria provided, multiple submitters, no conflicts (2 of 4 stars). 2 submissions from 2 submitters: Uncertain significance (2). Last evaluated 2025-04-08.

Conditions:
Primary ciliary dyskinesia 23 (CILD23). Also called: CILIARY DYSKINESIA, PRIMARY, 23, WITH OR WITHOUT SITUS INVERSUS. Identifiers: Orphanet 244, MedGen C3809548, MONDO:0014193, OMIM 615451.
Primary ciliary dyskinesia. Also called: Ciliary dyskinesia. Identifiers: Orphanet 244, MedGen C0008780, MONDO:0016575, HP:0012265.

Submissions (2):

Ambry Genetics
Classification: Uncertain significance for Primary ciliary dyskinesia. Last evaluated: 2025-04-08. Review status: criteria provided, single submitter. Criteria: Ambry Variant Classification Scheme 2023. Collection method: clinical testing. Allele origin: germline.

Labcorp Genetics (formerly Invitae), Labcorp
Classification: Uncertain significance for Primary ciliary dyskinesia 23. Last evaluated: 2023-10-03. Review status: criteria provided, single submitter. Criteria: Invitae Variant Classification Sherloc (09022015). Collection method: clinical testing. Allele origin: germline.
Comment: This sequence change replaces isoleucine, which is neutral and non-polar, with valine, which is neutral and non-polar, at codon 490 of the ARMC4 protein (p.Ile490Val). This variant is not present in population databases (gnomAD no frequency). This variant has not been reported in the literature in individuals affected with ARMC4-related conditions. ClinVar contains an entry for this variant (Variation ID: 1681376). An algorithm developed to predict the effect of missense changes on protein structure and function (PolyPhen-2) suggests that this variant is likely to be disruptive. In summary, the available evidence is currently insufficient to determine the role of this variant in disease. Therefore, it has been classified as a Variant of Uncertain Significance.